The following is an entry in ClinVar:

NM_001048174.2(MUTYH):c.1515T>A (p.Phe505Leu)

Gene: MUTYH (mutY DNA glycosylase; minus strand). Cytogenetic location: 1p34.1.
Variant type: single nucleotide variant.
Coding change: c.1515T>A on transcript NM_001048174.2 (MANE Select); coding-DNA position 1515, T replaced by A.
Protein change: p.Phe505Leu; replaces phenylalanine 505 with leucine.
Molecular consequence: missense variant. On other transcripts: non-coding transcript variant (2).
Genome position (GRCh38, 1-based): chr1:45,329,357, A>T on the plus strand (T>A on the coding strand, the complement: MUTYH is on the minus strand). VCF-style: chr1-45329357-A-T. GRCh37 (hg19) VCF-style: chr1-45795029-A-T.
Other names: c.1515T>A, p.Phe505Leu (NM_001048171.2, NM_001048173.2, NM_001293195.2); c.1518T>A, p.Phe506Leu (NM_001048172.2); c.1599T>A, p.Phe533Leu (NM_001128425.2); c.1560T>A, p.Phe520Leu (NM_001293190.2); c.1548T>A, p.Phe516Leu (NM_001293191.2); c.1239T>A, p.Phe413Leu (NM_001293192.2, NM_001293196.2); c.1170T>A, p.Phe390Leu (NM_001350650.2, NM_001350651.2); c.1590T>A, p.Phe530Leu (NM_012222.3); short protein forms F533L, F413L, F505L, F520L, F530L, F506L, F390L, F516L.
Identifiers: ClinVar variation 584584 (VCV000584584.23), dbSNP rs1557444106, ClinGen allele CA340131629.
Genomic context (GRCh38, chr1:45,329,357, plus strand): 5'-TCAGAGGTGTCACTGGGCTGCACTGTTGAGGCTGTGTGCATCAGTGGAGATGTGAGACCG[A>T]AAGAAATTATCCAGGACTTGCTGGCCCATGCGGGGCTTTTTCCGACTGCACGGAGAGGAC-3'
Protein context (NP_001041639.1, residues 495-515): RMGQQVLDNF[Phe505Leu]RSHISTDAHS

ClinVar aggregate classification (germline): Conflicting classifications of pathogenicity. Review status: criteria provided, conflicting classifications (1 of 4 stars). 6 submissions from 6 submitters: Uncertain significance (5); Benign (1). Last evaluated 2025-11-24.

Conditions:
Hereditary cancer-predisposing syndrome. Also called: Tumor predisposition; Neoplastic Syndromes, Hereditary; Hereditary neoplastic syndrome; Hereditary Cancer Syndrome. Identifiers: Orphanet 140162, MedGen C0027672, MeSH D009386, MONDO:0015356.
Familial adenomatous polyposis 2. Also called: MYH-associated polyposis; FAP type 2; COLORECTAL ADENOMATOUS POLYPOSIS, AUTOSOMAL RECESSIVE; ADENOMAS, MULTIPLE COLORECTAL, AUTOSOMAL RECESSIVE; MUTYH-related attenuated familial adenomatous polyposis; MUTYH Polyposis. Identifiers: Orphanet 220460, Orphanet 247798, MedGen C3272841, MONDO:0012041, OMIM 608456.

Allele frequency attached by ClinVar (database versions not stated): gnomAD exomes below 0.00001.

Submissions (6):

Labcorp Genetics (formerly Invitae), Labcorp
Classification: Uncertain significance for Familial adenomatous polyposis 2. Last evaluated: 2025-11-24. Review status: criteria provided, single submitter. Criteria: Invitae Variant Classification Sherloc (09022015). Collection method: clinical testing. Allele origin: germline.
Comment: This sequence change replaces phenylalanine, which is neutral and non-polar, with leucine, which is neutral and non-polar, at codon 533 of the MUTYH protein (p.Phe533Leu). This variant is not present in population databases (gnomAD no frequency). This variant has not been reported in the literature in individuals affected with MUTYH-related conditions. ClinVar contains an entry for this variant (Variation ID: 584584). An algorithm developed to predict the effect of missense changes on protein structure and function outputs the following: PolyPhen-2: "Benign". The leucine amino acid residue is found in multiple mammalian species, which suggests that this missense change does not adversely affect protein function. In summary, the available evidence is currently insufficient to determine the role of this variant in disease. Therefore, it has been classified as a Variant of Uncertain Significance.

Ambry Genetics
Classification: Benign for Hereditary cancer-predisposing syndrome. Last evaluated: 2025-09-09. Review status: criteria provided, single submitter. Criteria: Ambry Variant Classification Scheme 2023. Collection method: clinical testing. Allele origin: germline.

Quest Diagnostics Nichols Institute San Juan Capistrano
Classification: Uncertain significance. Last evaluated: 2024-12-31. Review status: criteria provided, single submitter. Criteria: Quest Diagnostics criteria. Collection method: clinical testing. Allele origin: unknown.
Comment: The MUTYH c.1599T>A (p.Phe533Leu) variant has been reported in the published literature in an individual with breast cancer PMID: 33471991 (2021), see also LOVD). This variant has not been reported in large, multi-ethnic general populations (Genome Aggregation Database). Analysis of this variant using bioinformatics tools for the prediction of the effect of amino acid changes on protein structure and function yielded predictions that this variant is benign. Based on the available information, we are unable to determine the clinical significance of this variant.

Color Diagnostics, LLC DBA Color Health
Classification: Uncertain significance for Hereditary cancer-predisposing syndrome. Last evaluated: 2023-08-21. Review status: criteria provided, single submitter. Criteria: ACMG Guidelines, 2015. Collection method: clinical testing. Allele origin: germline.
Comment: This missense variant replaces phenylalanine with leucine at codon 533 of the MUTYH protein. Computational prediction suggests that this variant may not impact protein structure and function (internally defined REVEL score threshold <= 0.5, PMID: 27666373). To our knowledge, functional studies have not been reported for this variant. This variant has not been reported in individuals affected with MUTYH-related disorders in the literature. This variant has not been identified in the general population by the Genome Aggregation Database (gnomAD). The available evidence is insufficient to determine the role of this variant in disease conclusively. Therefore, this variant is classified as a Variant of Uncertain Significance.

GeneDx
Classification: Uncertain significance. Last evaluated: 2021-08-11. Review status: criteria provided, single submitter. Criteria: GeneDx Variant Classification Process June 2021. Collection method: clinical testing. Allele origin: germline. Affected: yes.
Comment: Not observed at significant frequency in large population cohorts (Lek 2016); In silico analysis supports that this missense variant does not alter protein structure/function; Has not been previously published as pathogenic or benign to our knowledge; This variant is associated with the following publications: (PMID: 11092888, 23108399)

Mendelics
Classification: Uncertain significance for MYH-associated polyposis. Last evaluated: 2018-07-02. Review status: criteria provided, single submitter. Criteria: Mendelics Assertion Criteria 2017. Collection method: clinical testing. Allele origin: unknown.

Literature cited by the submitters: PubMed 33471991 (cited by Quest Diagnostics Nichols Institute San Juan Capistrano).